The following is an entry in ClinVar:

NM_001282112.2(TOP3B):c.654G>A (p.Gln218=)

Gene: TOP3B (DNA topoisomerase III beta; minus strand). Cytogenetic location: 22q11.22.
Variant type: single nucleotide variant.
Coding change: c.654G>A on transcript NM_001282112.2 (MANE Select); coding-DNA position 654, G replaced by A.
Protein change: p.Gln218=; no amino-acid change (glutamine 218 retained).
Molecular consequence: synonymous variant. On other transcripts: non-coding transcript variant (1).
Genome position (GRCh38, 1-based): chr22:21,968,703, C>T on the plus strand (G>A on the coding strand, the complement: TOP3B is on the minus strand). VCF-style: chr22-21968703-C-T. GRCh37 (hg19) VCF-style: chr22-22323075-C-T.
Other names: c.654G>A, p.Gln218= (NM_001282113.2, NM_001349845.2, NM_001349847.2 and 1 more transcripts); c.246G>A, p.Gln82= (NM_001349848.2, NM_001349850.2, NM_001349851.2 and 1 more transcripts).
Identifiers: ClinVar variation 3039423 (VCV003039423.2), dbSNP rs145530716, ClinGen allele CA10125878.

ClinVar aggregate classification (germline): Benign (0 of 4 stars; one submission).

Conditions:
TOP3B-related disorder. Also called: TOP3B-related condition.

Allele frequency attached by ClinVar (database versions not stated): 1000 Genomes Project 30x 0.00094; 1000 Genomes Project 0.00100; gnomAD 0.00259; ExAC 0.00263; TOPMed 0.00288; ESP Exome Variant Server 0.00354; gnomAD exomes 0.00413.
gnomAD v4.1: 6,425 of 1,614,160 alleles (0.4%); highest among the groups gnomAD compares: Non-Finnish European, 0.48%; 33 homozygotes.

Submission:

PreventionGenetics, part of Exact Sciences
Classification: Benign for TOP3B-related condition. Last evaluated: 2019-04-24. Review status: no assertion criteria provided. Collection method: clinical testing. Allele origin: germline.
Comment: This variant is classified as benign based on ACMG/AMP sequence variant interpretation guidelines (Richards et al. 2015 PMID: 25741868, with internal and published modifications).